The following is an entry in ClinVar:

NM_177438.3(DICER1):c.2555A>G (p.Tyr852Cys)

Gene: DICER1 (dicer 1, ribonuclease III; minus strand). Cytogenetic location: 14q32.13.
Variant type: single nucleotide variant.
Coding change: c.2555A>G on transcript NM_177438.3 (MANE Select); coding-DNA position 2555, A replaced by G.
Protein change: p.Tyr852Cys; replaces tyrosine 852 with cysteine.
Molecular consequence: missense variant.
Genome position (GRCh38, 1-based): chr14:95,107,975, T>C on the plus strand (A>G on the coding strand, the complement: DICER1 is on the minus strand). VCF-style: chr14-95107975-T-C. GRCh37 (hg19) VCF-style: chr14-95574312-T-C.
Other names: c.2555A>G, p.Tyr852Cys (NM_001195573.1, NM_001271282.3, NM_001291628.2 and 1 more transcripts); short protein forms Y852C.
Identifiers: ClinVar variation 483435 (VCV000483435.15), dbSNP rs1555370802, ClinGen allele CA390881720.

ClinVar aggregate classification (germline): Uncertain significance. Review status: criteria provided, multiple submitters, no conflicts (2 of 4 stars). 2 submissions from 2 submitters: Uncertain significance (2). Last evaluated 2020-03-14.

Conditions:
Hereditary cancer-predisposing syndrome. Also called: Hereditary neoplastic syndrome; Neoplastic Syndromes, Hereditary; Tumor predisposition; Hereditary Cancer Syndrome. Identifiers: Orphanet 140162, MedGen C0027672, MeSH D009386, MONDO:0015356.
DICER1-related tumor predisposition. Also called: DICER1-related pleuropulmonary blastoma cancer predisposition syndrome; DICER1 syndrome. Identifiers: Orphanet 284343, MedGen C3839822, MONDO:0100216.

Submissions (2):

Labcorp Genetics (formerly Invitae), Labcorp
Classification: Uncertain significance for DICER1-related tumor predisposition. Last evaluated: 2020-03-14. Review status: criteria provided, single submitter. Criteria: Invitae Variant Classification Sherloc (09022015). Collection method: clinical testing. Allele origin: germline.
Comment: Algorithms developed to predict the effect of missense changes on protein structure and function (SIFT, PolyPhen-2, Align-GVGD) all suggest that this variant is likely to be disruptive, but these predictions have not been confirmed by published functional studies and their clinical significance is uncertain. This variant has not been reported in the literature in individuals with DICER1-related conditions. ClinVar contains an entry for this variant (Variation ID: 483435). This variant is not present in population databases (ExAC no frequency). This sequence change replaces tyrosine with cysteine at codon 852 of the DICER1 protein (p.Tyr852Cys). The tyrosine residue is highly conserved and there is a large physicochemical difference between tyrosine and cysteine. In summary, the available evidence is currently insufficient to determine the role of this variant in disease. Therefore, it has been classified as a Variant of Uncertain Significance.

Ambry Genetics
Classification: Uncertain significance for Hereditary cancer-predisposing syndrome. Last evaluated: 2017-05-02. Review status: criteria provided, single submitter. Criteria: Ambry Variant Classification Scheme 2023. Collection method: clinical testing. Allele origin: germline.
Comment: The p.Y852C variant (also known as c.2555A>G), located in coding exon 15 of the DICER1 gene, results from an A to G substitution at nucleotide position 2555. The tyrosine at codon 852 is replaced by cysteine, an amino acid with highly dissimilar properties. This amino acid position is highly conserved in available vertebrate species. In addition, this alteration is predicted to be deleterious by in silico analysis. Since supporting evidence is limited at this time, the clinical significance of this alteration remains unclear.